The following is an entry in ClinVar:

ClinVar aggregate classification (germline): Uncertain significance (1 of 4 stars; one submission).

Submission:

Labcorp Genetics (formerly Invitae), Labcorp
Classification: Uncertain significance. Last evaluated: 2022-09-15. Review status: criteria provided, single submitter. Criteria: Invitae Variant Classification Sherloc (09022015). Collection method: clinical testing. Allele origin: germline.
Comment: This sequence change replaces serine, which is neutral and polar, with phenylalanine, which is neutral and non-polar, at codon 225 of the CFP protein (p.Ser225Phe). This variant is not present in population databases (gnomAD no frequency). This variant has not been reported in the literature in individuals affected with CFP-related conditions. Advanced modeling of protein sequence and biophysical properties (such as structural, functional, and spatial information, amino acid conservation, physicochemical variation, residue mobility, and thermodynamic stability) has been performed at Invitae for this missense variant, however the output from this modeling did not meet the statistical confidence thresholds required to predict the impact of this variant on CFP protein function. In summary, the available evidence is currently insufficient to determine the role of this variant in disease. Therefore, it has been classified as a Variant of Uncertain Significance.

NM_001145252.3(CFP):c.674C>T (p.Ser225Phe)

Gene: CFP (complement factor properdin; minus strand). Cytogenetic location: Xp11.23.
Variant type: single nucleotide variant.
Coding change: c.674C>T on transcript NM_001145252.3 (MANE Select); coding-DNA position 674, C replaced by T.
Protein change: p.Ser225Phe; replaces serine 225 with phenylalanine.
Molecular consequence: missense variant.
Genome position (GRCh38, 1-based): chrX:47,627,233, G>A on the plus strand (C>T on the coding strand, the complement: CFP is on the minus strand). VCF-style: chrX-47627233-G-A. GRCh37 (hg19) VCF-style: chrX-47486632-G-A.
Other names: c.674C>T, p.Ser225Phe (NM_002621.2); short protein forms S225F.
Identifiers: ClinVar variation 1719521 (VCV001719521.5), dbSNP rs2519717053, ClinGen allele CA412838073.
Genomic context (GRCh38, chrX:47,627,233, plus strand): 5'-TGCTCGTAGGCTAGCCCCGGGCAGGGCTTCCCAGGAGGTTTCTGGGAGGGCTCAGGTGCA[G>A]AACACTTGCGGCTTCGTGTCTCCTTAGGTTCGTGGGGTCCACCGTGGCAGGAGGCTGAGC-3'
Protein context (NP_001138724.1, residues 215-235): EPKETRSRKC[Ser225Phe]APEPSQKPPG